The following is an entry in ClinVar:

NM_003041.4(SLC5A2):c.901T>C (p.Cys301Arg)

Gene: SLC5A2 (solute carrier family 5 member 2; plus strand). Cytogenetic location: 16p11.2.
Variant type: single nucleotide variant.
Coding change: c.901T>C on transcript NM_003041.4 (MANE Select); coding-DNA position 901, T replaced by C.
Protein change: p.Cys301Arg; replaces cysteine 301 with arginine.
Molecular consequence: missense variant. On other transcripts: non-coding transcript variant (1).
Genome position (GRCh38, 1-based): chr16:31,488,053, T>C. VCF-style: chr16-31488053-T-C. GRCh37 (hg19) VCF-style: chr16-31499374-T-C.
Other names: short protein forms C301R.
Identifiers: ClinVar variation 4818871 (VCV004818871.1).
Genomic context (GRCh38, chr16:31,488,053, plus strand): 5'-CCGAGGGGAGGCCCGCAAGCGGGCAGCTGAACGCCCCTCCCGTAGGTCATCGTGCAGCGC[T>C]GCCTGGCCGGGAAGAGCCTGACCCACATCAAGGCGGGCTGCATCCTGTGTGGGTACCTGA-3'
Protein context (NP_003032.1, residues 291-311): WCSDQVIVQR[Cys301Arg]LAGKSLTHIK

ClinVar aggregate classification (germline): Likely pathogenic (1 of 4 stars; one submission).

Conditions:
Familial renal glucosuria (GLYS). Also called: RENAL GLUCOSURIA, AUTOSOMAL DOMINANT; Familial renal glycosuria. Identifiers: Orphanet 69076, MedGen C3245525, MONDO:0009297, OMIM 233100.

gnomAD v4.1: 3 of 1,613,762 alleles (0.00019%); highest among the groups gnomAD compares: Non-Finnish European, 0.00025%; no homozygotes.

Submission:

MVZ Medizinische Genetik Mainz
Classification: Likely pathogenic for Familial renal glucosuria. Last evaluated: 2026-02-17. Review status: criteria provided, single submitter. Criteria: UK Practice Guidelines For Variant Classification V4 01 2020. Collection method: clinical testing. Allele origin: germline. Inheritance: Autosomal dominant inheritance. Affected: yes. Observed: 1 variant allele.
Comment: ACMG Criteria: PP3_STR,PM2_SUP,PP4